The following is an entry in ClinVar:

NM_004341.5(CAD):c.4753C>T (p.Leu1585Phe)

Gene: CAD (carbamoyl-phosphate synthetase 2, aspartate transcarbamylase, and dihydroorotase; plus strand). Cytogenetic location: 2p23.3.
Variant type: single nucleotide variant.
Coding change: c.4753C>T on transcript NM_004341.5 (MANE Select); coding-DNA position 4753, C replaced by T.
Protein change: p.Leu1585Phe; replaces leucine 1585 with phenylalanine.
Molecular consequence: missense variant.
Genome position (GRCh38, 1-based): chr2:27,238,080, C>T. VCF-style: chr2-27238080-C-T. GRCh37 (hg19) VCF-style: chr2-27460948-C-T.
Other names: c.4564C>T, p.Leu1522Phe (NM_001306079.2); short protein forms L1585F, L1522F.
Identifiers: ClinVar variation 1358402 (VCV001358402.5), dbSNP rs997368572, ClinGen allele CA44514431.
Genomic context (GRCh38, chr2:27,238,080, plus strand): 5'-TCTGCACACTCCTTCATCAGTTCTTTCTGCTCCCAGCATTTCGAGACATGGCCCTCCCAC[C>T]TCCCCATTGTGGCTCACGCAGAGCAGCAAACCGTGGCTGCTGTCCTCATGGTGGCTCAGC-3'
Protein context (NP_004332.2, residues 1575-1595): MEHFETWPSH[Leu1585Phe]PIVAHAEQQT

ClinVar aggregate classification (germline): Uncertain significance (1 of 4 stars; one submission).

Allele frequency attached by ClinVar (database versions not stated): TOPMed 0.00001; gnomAD 0.00003.
gnomAD v4.1: 7 of 1,614,112 alleles (0.00043%); highest among the groups gnomAD compares: Non-Finnish European, 0.00059%; no homozygotes.

Submission:

Labcorp Genetics (formerly Invitae), Labcorp
Classification: Uncertain significance. Last evaluated: 2021-09-02. Review status: criteria provided, single submitter. Criteria: Invitae Variant Classification Sherloc (09022015). Collection method: clinical testing. Allele origin: germline.
Comment: This sequence change replaces leucine with phenylalanine at codon 1585 of the CAD protein (p.Leu1585Phe). The leucine residue is moderately conserved and there is a small physicochemical difference between leucine and phenylalanine. This variant is not present in population databases (ExAC no frequency). This variant has not been reported in the literature in individuals affected with CAD-related conditions. Algorithms developed to predict the effect of missense changes on protein structure and function (SIFT, PolyPhen-2, Align-GVGD) all suggest that this variant is likely to be tolerated. In summary, the available evidence is currently insufficient to determine the role of this variant in disease. Therefore, it has been classified as a Variant of Uncertain Significance.